The following is an entry in ClinVar:

ClinVar aggregate classification (germline): Benign (1 of 4 stars; one submission).

Allele frequency attached by ClinVar (database versions not stated): gnomAD 0.23655 and 0.24012; 1000 Genomes Project 30x 0.24578; TOPMed 0.24591; 1000 Genomes Project 0.24960.
gnomAD v4.1: 36,539 of 151,894 alleles (24%); highest among the groups gnomAD compares: Admixed American, 33%; 4,596 homozygotes.

Submission:

GeneDx
Classification: Benign. Last evaluated: 2018-06-14. Review status: criteria provided, single submitter. Criteria: GeneDx Variant Classification (06012015). Collection method: clinical testing. Allele origin: germline. Affected: yes.
Comment: This variant is considered likely benign or benign based on one or more of the following criteria: it is a conservative change, it occurs at a poorly conserved position in the protein, it is predicted to be benign by multiple in silico algorithms, and/or has population frequency not consistent with disease.

NM_001377.3(DYNC2H1):c.12567-218C>T

Gene: DYNC2H1 (dynein cytoplasmic 2 heavy chain 1; plus strand). Cytogenetic location: 11q22.3.
Variant type: single nucleotide variant.
Coding change: c.12567-218C>T on transcript NM_001377.3 (MANE Select); 218 bases into the intron before coding-DNA position 12567, C replaced by T.
Molecular consequence: intron variant.
Genome position (GRCh38, 1-based): chr11:103,456,057, C>T. VCF-style: chr11-103456057-C-T. GRCh37 (hg19) VCF-style: chr11-103326785-C-T.
Other names: c.12588-218C>T (NM_001080463.2).
Identifiers: ClinVar variation 667816 (VCV000667816.1), dbSNP rs7118634, ClinGen allele CA13557044.